The following is an entry in ClinVar:

ClinVar aggregate classification (germline): Uncertain significance (1 of 4 stars; one submission).

gnomAD v4.1: 5 of 1,566,536 alleles (0.00032%); highest among the groups gnomAD compares: Admixed American, 0.0019%; no homozygotes.

Submission:

Labcorp Genetics (formerly Invitae), Labcorp
Classification: Uncertain significance. Last evaluated: 2022-10-10. Review status: criteria provided, single submitter. Criteria: Invitae Variant Classification Sherloc (09022015). Collection method: clinical testing. Allele origin: germline.
Comment: This sequence change replaces alanine, which is neutral and non-polar, with threonine, which is neutral and polar, at codon 558 of the CAMK2B protein (p.Ala558Thr). This variant is not present in population databases (gnomAD no frequency). This variant has not been reported in the literature in individuals affected with CAMK2B-related conditions. Algorithms developed to predict the effect of missense changes on protein structure and function (SIFT, PolyPhen-2, Align-GVGD) all suggest that this variant is likely to be disruptive. In summary, the available evidence is currently insufficient to determine the role of this variant in disease. Therefore, it has been classified as a Variant of Uncertain Significance.

NM_001220.5(CAMK2B):c.1672G>A (p.Ala558Thr)

Gene: CAMK2B (calcium/calmodulin dependent protein kinase II beta; minus strand). Cytogenetic location: 7p13.
Variant type: single nucleotide variant.
Coding change: c.1672G>A on transcript NM_001220.5 (MANE Select); coding-DNA position 1672, G replaced by A.
Protein change: p.Ala558Thr; replaces alanine 558 with threonine.
Molecular consequence: missense variant.
Genome position (GRCh38, 1-based): chr7:44,220,827, C>T on the plus strand (G>A on the coding strand, the complement: CAMK2B is on the minus strand). VCF-style: chr7-44220827-C-T. GRCh37 (hg19) VCF-style: chr7-44260426-C-T.
Other names: c.1300G>A, p.Ala434Thr (NM_001293170.2, NM_172078.3); c.1228G>A, p.Ala410Thr (NM_172079.3, NM_172082.3); c.1225G>A, p.Ala409Thr (NM_172080.3); c.1183G>A, p.Ala395Thr (NM_172081.3); c.1111G>A, p.Ala371Thr (NM_172083.3); c.1021G>A, p.Ala341Thr (NM_172084.3); short protein forms A341T, A410T, A371T, A395T, A409T, A434T, A558T.
Identifiers: ClinVar variation 1922689 (VCV001922689.5), dbSNP rs1163572646, ClinGen allele CA367369874.